The following is an entry in ClinVar:

ClinVar aggregate classification (germline): Uncertain significance. Review status: criteria provided, multiple submitters, no conflicts (2 of 4 stars). 2 submissions from 2 submitters: Uncertain significance (2). Last evaluated 2022-11-07.

Conditions:
Inborn genetic diseases. Identifiers: MedGen C0950123, MeSH D030342.

Allele frequency attached by ClinVar (database versions not stated): gnomAD 0.00001; TOPMed 0.00001; gnomAD exomes 0.00003 and 0.00005; ExAC 0.00007.
gnomAD v4.1: 44 of 1,614,018 alleles (0.0027%); highest among the groups gnomAD compares: South Asian, 0.025%; no homozygotes.

Submissions (2):

Ambry Genetics
Classification: Uncertain significance for Inborn genetic diseases. Last evaluated: 2022-11-07. Review status: criteria provided, single submitter. Criteria: Ambry Variant Classification Scheme 2023. Collection method: clinical testing. Allele origin: germline.

Laboratorio de Genetica e Diagnostico Molecular, Hospital Israelita Albert Einstein
Classification: Uncertain significance. Last evaluated: 2022-01-17. Review status: criteria provided, single submitter. Criteria: ACMG Guidelines, 2015. Collection method: clinical testing. Allele origin: germline. Affected: yes.
Comment: ACMG classification criteria: BP4

NM_006901.4(MYO9A):c.73A>G (p.Ile25Val)

Gene: MYO9A (myosin IXA; minus strand). Cytogenetic location: 15q23.
Variant type: single nucleotide variant.
Coding change: c.73A>G on transcript NM_006901.4 (MANE Select); coding-DNA position 73, A replaced by G.
Protein change: p.Ile25Val; replaces isoleucine 25 with valine.
Molecular consequence: missense variant.
Genome position (GRCh38, 1-based): chr15:72,046,491, T>C on the plus strand (A>G on the coding strand, the complement: MYO9A is on the minus strand). VCF-style: chr15-72046491-T-C. GRCh37 (hg19) VCF-style: chr15-72338832-T-C.
Other names: c.73A>G (NM_006901.2); short protein forms I25V.
Identifiers: ClinVar variation 1690552 (VCV001690552.5), dbSNP rs764758822, ClinGen allele CA7642511.